The following is an entry in ClinVar:

NM_014845.6(FIG4):c.646G>A (p.Gly216Arg)

Gene: FIG4 (FIG4 phosphoinositide 5-phosphatase; plus strand). Cytogenetic location: 6q21.
Variant type: single nucleotide variant.
Coding change: c.646G>A on transcript NM_014845.6 (MANE Select); coding-DNA position 646, G replaced by A.
Protein change: p.Gly216Arg; replaces glycine 216 with arginine.
Molecular consequence: missense variant.
Genome position (GRCh38, 1-based): chr6:109,735,298, G>A. VCF-style: chr6-109735298-G-A. GRCh37 (hg19) VCF-style: chr6-110056501-G-A.
Other names: short protein forms G216R.
Identifiers: ClinVar variation 2583040 (VCV002583040.28), dbSNP rs759566206, ClinGen allele CA3955855.

ClinVar aggregate classification (germline): Uncertain significance. Review status: criteria provided, multiple submitters, no conflicts (2 of 4 stars). 4 submissions from 4 submitters: Uncertain significance (4). Last evaluated 2026-02-01.

Conditions:
Charcot-Marie-Tooth disease type 4. Also called: Charcot-Marie-Tooth disease, type IV; Charcot-Marie-Tooth, Type 4. Identifiers: Orphanet 64749, MedGen C4082197, MONDO:0018995.
FIG4-related disorder. Also called: FIG4-related disorders; FIG4-related condition.

Allele frequency attached by ClinVar (database versions not stated): TOPMed below 0.00001; gnomAD 0.00001; ExAC 0.00002.
gnomAD v4.1: 8 of 1,612,448 alleles (0.0005%); highest among the groups gnomAD compares: East Asian, 0.0022%; no homozygotes.

Submissions (4):

Labcorp Genetics (formerly Invitae), Labcorp
Classification: Uncertain significance for Charcot-Marie-Tooth disease type 4. Last evaluated: 2026-02-01. Review status: criteria provided, single submitter. Criteria: Invitae Variant Classification Sherloc (09022015). Collection method: clinical testing. Allele origin: germline.
Comment: This sequence change replaces glycine, which is neutral and non-polar, with arginine, which is basic and polar, at codon 216 of the FIG4 protein (p.Gly216Arg). This variant also falls at the last nucleotide of exon 6, which is part of the consensus splice site for this exon. This variant is present in population databases (rs759566206, gnomAD 0.005%). This missense change has been observed in individual(s) with sporadic amyotrophic lateral sclerosis (PMID: 37223130). ClinVar contains an entry for this variant (Variation ID: 2583040). An algorithm developed to predict the effect of missense changes on protein structure and function (PolyPhen-2) suggests that this variant is likely to be tolerated. Variants that disrupt the consensus splice site are a relatively common cause of aberrant splicing (PMID: 17576681, 9536098). Algorithms developed to predict the effect of sequence changes on RNA splicing suggest that this variant may create or strengthen a splice site. In summary, the available evidence is currently insufficient to determine the role of this variant in disease. Therefore, it has been classified as a Variant of Uncertain Significance.

PreventionGenetics, part of Exact Sciences
Classification: Uncertain significance for FIG4-related condition. Last evaluated: 2025-12-30. Review status: criteria provided, single submitter. Criteria: ACMG Guidelines, 2015. Collection method: clinical testing. Allele origin: germline.
Comment: The FIG4 c.646G>A variant is predicted to result in the amino acid substitution p.Gly216Arg. This variant has been reported in individuals with amyotrophic lateral sclerosis or features of other FIG4-related disorders (Ruf et al. 2023. PubMed ID: 37223130; Liu et al. 2022. PubMed ID: 35021275; Pensato et al. 2020. PubMed ID: 32028661). This variant is reported in 0.0050% of alleles in individuals of East Asian descent in gnomAD. At this time, the clinical significance of this variant is uncertain due to the absence of conclusive functional and genetic evidence.

GeneDx
Classification: Uncertain significance. Last evaluated: 2024-01-26. Review status: criteria provided, single submitter. Criteria: GeneDx Variant Classification Process June 2021. Collection method: clinical testing. Allele origin: germline. Affected: yes.
Comment: In silico analysis supports a deleterious effect on splicing; In silico analysis supports that this missense variant does not alter protein structure/function; Not observed at significant frequency in large population cohorts (gnomAD); This variant is associated with the following publications: (PMID: 24598713, 35021275, 32028661)

CeGaT Center for Human Genetics Tuebingen
Classification: Uncertain significance. Last evaluated: 2023-09-01. Review status: criteria provided, single submitter. Criteria: CeGaT Center For Human Genetics Tuebingen Variant Classification Criteria Version 2. Collection method: clinical testing. Allele origin: germline. Affected: yes. Observed: 1 variant allele.
Comment: FIG4: PM2:Supporting, PP3, PS4:Supporting

Literature cited by the submitters: PubMed 37223130 (cited by Labcorp Genetics (formerly Invitae), Labcorp); PubMed 17576681 (cited by Labcorp Genetics (formerly Invitae), Labcorp); PubMed 9536098 (cited by Labcorp Genetics (formerly Invitae), Labcorp).